The following is an entry in ClinVar:

NM_001374828.1(ARID1B):c.2986C>T (p.Gln996Ter)

Gene: ARID1B (AT-rich interaction domain 1B; plus strand). Cytogenetic location: 6q25.3.
Variant type: single nucleotide variant.
Coding change: c.2986C>T on transcript NM_001374828.1 (MANE Select); coding-DNA position 2986, C replaced by T.
Protein change: p.Gln996Ter; replaces glutamine 996 with a stop codon.
Molecular consequence: nonsense.
Genome position (GRCh38, 1-based): chr6:157,148,848, C>T. VCF-style: chr6-157148848-C-T. GRCh37 (hg19) VCF-style: chr6-157469982-C-T.
Other names: c.2776C>T, p.Gln926Ter (NM_020732.3); c.487C>T, p.Gln163Ter (NM_001363725.2); c.3025C>T, p.Gln1009Ter (NM_001371656.1, NM_001374820.1); c.2986C>T, p.Gln996Ter (NM_017519.3); short protein forms Q926*, Q163*, Q1009*, Q996*.
Identifiers: ClinVar variation 372302 (VCV000372302.3), dbSNP rs1057517704, ClinGen allele CA16042664.
Genomic context (GRCh38, chr6:157,148,848, plus strand): 5'-AACAGACCATTTCCTGGAAATATGAGCAGCATGACCCCCAGTTCTCCTGGCATGTCTCAG[C>T]AGGGAGGGCCAGGAATGGGGCCGCCAATGCCAACTGTGAACCGTAAGGCACAGGAGGCAG-3'

ClinVar aggregate classification (germline): Pathogenic. Review status: criteria provided, multiple submitters, no conflicts (2 of 4 stars). 2 submissions from 2 submitters: Pathogenic (2). Last evaluated 2022-12-21.

Submissions (2):

Center for Personalized Medicine, Children's Hospital Los Angeles
Classification: Pathogenic. Last evaluated: 2022-12-21. Review status: criteria provided, single submitter. Criteria: ACMG Guidelines, 2015. Collection method: clinical testing. Allele origin: de novo. Affected: yes.

GeneDx
Classification: Pathogenic. Last evaluated: 2016-11-25. Review status: criteria provided, single submitter. Criteria: GeneDx Variant Classification (06012015). Collection method: clinical testing. Allele origin: germline. Affected: yes.
Comment: The Q926X variant in the ARID1B gene has not been reported previously as a pathogenic variant nor as a benign variant, to our knowledge. This variant is predicted to cause loss of normal protein function either through protein truncation or nonsense-mediated mRNA decay. The Q926X variant was not observed in approximately 6500 individuals of European and African American ancestry in the NHLBI Exome Sequencing Project, indicating it is not a common benign variant in these populations. We interpret Q926X as a pathogenic variant.